The following is an entry in ClinVar:

NM_005909.5(MAP1B):c.6646G>T (p.Asp2216Tyr)

Gene: MAP1B (microtubule associated protein 1B; plus strand). Cytogenetic location: 5q13.2.
Variant type: single nucleotide variant.
Coding change: c.6646G>T on transcript NM_005909.5 (MANE Select); coding-DNA position 6646, G replaced by T.
Protein change: p.Asp2216Tyr; replaces aspartic acid 2216 with tyrosine.
Molecular consequence: missense variant.
Genome position (GRCh38, 1-based): chr5:72,200,001, G>T. VCF-style: chr5-72200001-G-T. GRCh37 (hg19) VCF-style: chr5-71495828-G-T.
Other names: c.6268G>T, p.Asp2090Tyr (NM_001324255.2); short protein forms D2090Y, D2216Y.
Identifiers: ClinVar variation 3368805 (VCV003368805.1).

ClinVar aggregate classification (germline): Uncertain significance (1 of 4 stars; one submission).

Submission:

GeneDx
Classification: Uncertain significance. Last evaluated: 2024-02-08. Review status: criteria provided, single submitter. Criteria: GeneDx Variant Classification Process June 2021. Collection method: clinical testing. Allele origin: germline. Affected: yes.
Comment: Not observed at significant frequency in large population cohorts (gnomAD); In silico analysis supports that this missense variant has a deleterious effect on protein structure/function; Has not been previously published as pathogenic or benign to our knowledge